The following is an entry in ClinVar:

NM_021005.4(NR2F2):c.817G>A (p.Ala273Thr)

Gene: NR2F2 (nuclear receptor subfamily 2 group F member 2; plus strand). Cytogenetic location: 15q26.2.
Variant type: single nucleotide variant.
Coding change: c.817G>A on transcript NM_021005.4 (MANE Select); coding-DNA position 817, G replaced by A.
Protein change: p.Ala273Thr; replaces alanine 273 with threonine.
Molecular consequence: missense variant.
Genome position (GRCh38, 1-based): chr15:96,334,450, G>A. VCF-style: chr15-96334450-G-A. GRCh37 (hg19) VCF-style: chr15-96877679-G-A.
Other names: c.418G>A, p.Ala140Thr (NM_001145155.2); c.358G>A, p.Ala120Thr (NM_001145156.1, NM_001145157.2); short protein forms A120T, A140T, A273T.
Identifiers: ClinVar variation 5017987 (VCV005017987.1).

ClinVar aggregate classification (germline): Uncertain significance (1 of 4 stars; one submission).

Submission:

GeneDx
Classification: Uncertain significance. Last evaluated: 2026-03-30. Review status: criteria provided, single submitter. Criteria: GeneDx Variant Classification Process June 2021. Collection method: clinical testing. Allele origin: germline.
Comment: Not observed at significant frequency in large population cohorts (gnomAD); In silico analysis supports that this missense variant has a deleterious effect on protein structure/function; Has not been previously published as pathogenic or benign to our knowledge